The following is an entry in ClinVar:

ClinVar aggregate classification (germline): Uncertain significance (1 of 4 stars; one submission).

Submission:

GeneDx
Classification: Uncertain significance. Last evaluated: 2025-07-29. Review status: criteria provided, single submitter. Criteria: GeneDx Variant Classification Process June 2021. Collection method: clinical testing. Allele origin: germline. Affected: yes.
Comment: Not observed at significant frequency in large population cohorts (gnomAD); Frameshift variant predicted to result in protein truncation or nonsense mediated decay in a gene or region of a gene for which loss of function is not a well-established mechanism of disease; Has not been previously published as pathogenic or benign to our knowledge

NM_018149.7(SMG8):c.1909del (p.Leu637fs)

Gene: SMG8 (SMG8 nonsense mediated mRNA decay factor; plus strand). Cytogenetic location: 17q22.
Variant type: Deletion.
Coding change: c.1909del on transcript NM_018149.7 (MANE Select); coding-DNA position 1909, one base deleted (C; older notation c.1909delC).
Protein change: p.Leu637fs; shifts the reading frame from leucine 637.
Molecular consequence: frameshift variant.
Genome position (GRCh38, 1-based): chr17:59,212,732, C deleted. VCF-style (leftmost placement, unchanged base first): chr17-59212731-TC-T. GRCh37 (hg19) VCF-style: chr17-57290092-TC-T.
Other names: short protein forms L637fs.
Identifiers: ClinVar variation 4689900 (VCV004689900.1).
Genomic context (GRCh38, chr17:59,212,731, plus strand): 5'-ATGAAGAATATTATTTAAAATGAAAAACTTACTGGATTTTTTTTCTTACCCTCTATAGCT[TC>T]TGGAAGAAAAGTGTTGTGGAAAATTGGATCATATCAATTTCCCAGTATTTGAACCAAGTA-3'